The following is an entry in ClinVar:

NM_182972.3(IRF2BP2):c.896T>C (p.Val299Ala)

Gene: IRF2BP2 (interferon regulatory factor 2 binding protein 2; minus strand). Cytogenetic location: 1q42.3.
Variant type: single nucleotide variant.
Coding change: c.896T>C on transcript NM_182972.3 (MANE Select); coding-DNA position 896, T replaced by C.
Protein change: p.Val299Ala; replaces valine 299 with alanine.
Molecular consequence: missense variant.
Genome position (GRCh38, 1-based): chr1:234,608,599, A>G on the plus strand (T>C on the coding strand, the complement: IRF2BP2 is on the minus strand). VCF-style: chr1-234608599-A-G. GRCh37 (hg19) VCF-style: chr1-234744345-A-G.
Other names: c.896T>C, p.Val299Ala (NM_001077397.1); short protein forms V299A.
Identifiers: ClinVar variation 1435205 (VCV001435205.8), dbSNP rs137922901, ClinGen allele CA1461738.

ClinVar aggregate classification (germline): Uncertain significance (1 of 4 stars; one submission).

Allele frequency attached by ClinVar (database versions not stated): gnomAD exomes 0.00012; gnomAD 0.00013 and 0.00015; TOPMed 0.00015; ExAC 0.00016; ESP Exome Variant Server 0.00023.
gnomAD v4.1: 197 of 1,597,864 alleles (0.012%); highest among the groups gnomAD compares: Middle Eastern, 0.13%; no homozygotes.

Submission:

Labcorp Genetics (formerly Invitae), Labcorp
Classification: Uncertain significance. Last evaluated: 2026-01-09. Review status: criteria provided, single submitter. Criteria: Invitae Variant Classification Sherloc (09022015). Collection method: clinical testing. Allele origin: germline.
Comment: This sequence change replaces valine, which is neutral and non-polar, with alanine, which is neutral and non-polar, at codon 299 of the IRF2BP2 protein (p.Val299Ala). This variant is present in population databases (rs137922901, gnomAD 0.02%). This variant has not been reported in the literature in individuals affected with IRF2BP2-related conditions. ClinVar contains an entry for this variant (Variation ID: 1435205). An algorithm developed to predict the effect of missense changes on protein structure and function outputs the following: PolyPhen-2: "Benign". The alanine amino acid residue is found in multiple mammalian species, which suggests that this missense change does not adversely affect protein function. In summary, the available evidence is currently insufficient to determine the role of this variant in disease. Therefore, it has been classified as a Variant of Uncertain Significance.